The following is an entry in ClinVar:

NM_198525.3(KIF7):c.3812C>A (p.Ala1271Asp)

Gene: KIF7 (kinesin family member 7; minus strand). Cytogenetic location: 15q26.1.
Variant type: single nucleotide variant.
Coding change: c.3812C>A on transcript NM_198525.3 (MANE Select); coding-DNA position 3812, C replaced by A.
Protein change: p.Ala1271Asp; replaces alanine 1271 with aspartic acid.
Molecular consequence: missense variant.
Genome position (GRCh38, 1-based): chr15:89,628,639, G>T on the plus strand (C>A on the coding strand, the complement: KIF7 is on the minus strand). VCF-style: chr15-89628639-G-T. GRCh37 (hg19) VCF-style: chr15-90171870-G-T.
Other names: short protein forms A1271D.
Identifiers: ClinVar variation 1407079 (VCV001407079.8), dbSNP rs2141991400, ClinGen allele CA393753218.

ClinVar aggregate classification (germline): Uncertain significance (1 of 4 stars; one submission).

Conditions:
Acrocallosal syndrome (ACLS). Also called: Schinzel syndrome 1; Absence of corpus callosum with unusual facial appearance, mental deficiency, duplication of the halluces and polydactyly; HALLUX DUPLICATION, POSTAXIAL POLYDACTYLY, AND ABSENCE OF CORPUS CALLOSUM. Identifiers: Orphanet 36, MedGen C0796147, MONDO:0008708, OMIM 200990.

Submission:

Labcorp Genetics (formerly Invitae), Labcorp
Classification: Uncertain significance for Acrocallosal syndrome. Last evaluated: 2022-06-13. Review status: criteria provided, single submitter. Criteria: Invitae Variant Classification Sherloc (09022015). Collection method: clinical testing. Allele origin: germline.
Comment: In summary, the available evidence is currently insufficient to determine the role of this variant in disease. Therefore, it has been classified as a Variant of Uncertain Significance. Algorithms developed to predict the effect of missense changes on protein structure and function are either unavailable or do not agree on the potential impact of this missense change (SIFT: "Deleterious"; PolyPhen-2: "Possibly Damaging"; Align-GVGD: "Class C0"). This variant has not been reported in the literature in individuals affected with KIF7-related conditions. This variant is not present in population databases (gnomAD no frequency). This sequence change replaces alanine, which is neutral and non-polar, with aspartic acid, which is acidic and polar, at codon 1271 of the KIF7 protein (p.Ala1271Asp).